The following is an entry in ClinVar:

NM_001375567.1(FOCAD):c.2879C>G (p.Ala960Gly)

Gene: FOCAD (focadhesin; plus strand). Cytogenetic location: 9p21.3.
Variant type: single nucleotide variant.
Coding change: c.2879C>G on transcript NM_001375567.1 (MANE Select); coding-DNA position 2879, C replaced by G.
Protein change: p.Ala960Gly; replaces alanine 960 with glycine.
Molecular consequence: missense variant.
Genome position (GRCh38, 1-based): chr9:20,923,686, C>G. VCF-style: chr9-20923686-C-G. GRCh37 (hg19) VCF-style: chr9-20923685-C-G.
Other names: c.2774C>G, p.Ala925Gly (NM_001375568.1, NM_001375570.1); c.2879C>G, p.Ala960Gly (NM_017794.5); c.2879C>G (NM_017794.3); short protein forms A925G, A960G.
Identifiers: ClinVar variation 2889994 (VCV002889994.4), dbSNP rs371813912, ClinGen allele CA5007322.

ClinVar aggregate classification (germline): Uncertain significance. Review status: criteria provided, multiple submitters, no conflicts (2 of 4 stars). 2 submissions from 2 submitters: Uncertain significance (2). Last evaluated 2025-08-23.

Conditions:
Inborn genetic diseases. Identifiers: MedGen C0950123, MeSH D030342.

gnomAD v4.1: 15 of 1,613,710 alleles (0.00093%); highest among the groups gnomAD compares: Admixed American, 0.01%; no homozygotes.

Submissions (2):

Ambry Genetics
Classification: Uncertain significance for Inborn genetic diseases. Last evaluated: 2025-08-23. Review status: criteria provided, single submitter. Criteria: Ambry Variant Classification Scheme 2023. Collection method: clinical testing. Allele origin: germline.

Labcorp Genetics (formerly Invitae), Labcorp
Classification: Uncertain significance. Last evaluated: 2025-06-09. Review status: criteria provided, single submitter. Criteria: Invitae Variant Classification Sherloc (09022015). Collection method: clinical testing. Allele origin: germline.
Comment: This sequence change replaces alanine, which is neutral and non-polar, with glycine, which is neutral and non-polar, at codon 960 of the FOCAD protein (p.Ala960Gly). This variant is present in population databases (rs371813912, gnomAD 0.01%). This variant has not been reported in the literature in individuals affected with FOCAD-related conditions. ClinVar contains an entry for this variant (Variation ID: 2889994). Experimental studies and prediction algorithms are not available or were not evaluated, and the functional significance of this variant is currently unknown. In summary, the available evidence is currently insufficient to determine the role of this variant in disease. Therefore, it has been classified as a Variant of Uncertain Significance.